The following is an entry in ClinVar:

NM_000283.4(PDE6B):c.1059+6T>C

Gene: PDE6B (phosphodiesterase 6B; plus strand). Cytogenetic location: 4p16.3.
Variant type: single nucleotide variant.
Coding change: c.1059+6T>C on transcript NM_000283.4 (MANE Select); 6 bases into the intron after coding-DNA position 1059, T replaced by C.
Molecular consequence: intron variant.
Genome position (GRCh38, 1-based): chr4:656,012, T>C. VCF-style: chr4-656012-T-C. GRCh37 (hg19) VCF-style: chr4-649801-T-C.
Other names: c.1059+6T>C (NM_001145291.2); c.222+6T>C (NM_001379246.1, NM_001379247.1, NM_001145292.2 and 1 more transcripts); c.-48-862T>C (NM_001350155.3).
Identifiers: ClinVar variation 3776044 (VCV003776044.1).
Genomic context (GRCh38, chr4:656,012, plus strand): 5'-CGATCACTGGGCCCTGGCCAGCGGCCTTCCAAGCTACGTGGCAGAAAGCGGCTTTGTGAG[T>C]CCCGTGCTGTCTGGAGTCCCCACAGCCTTGCCCTCACTGGGTGCGGCGATGTGTGCTTCT-3'

ClinVar aggregate classification (germline): Uncertain significance (1 of 4 stars; one submission).

Conditions:
Retinitis pigmentosa 40 (RP40). Identifiers: Orphanet 791, MedGen C3151107, MONDO:0013429, OMIM 613801.

gnomAD v4.1: 3 of 1,571,542 alleles (0.00019%); highest among the groups gnomAD compares: East Asian, 0.0067%; no homozygotes.

Submission:

3billion
Classification: Uncertain significance for Retinitis pigmentosa 40. Last evaluated: 2023-08-29. Review status: criteria provided, single submitter. Criteria: ACMG Guidelines, 2015. Collection method: clinical testing. Allele origin: germline. Affected: yes.
Comment: The variant is not observed in the gnomAD v2.1.1 dataset. Predicted Consequence/Location: Intron variant In silico tools predict the variant to alter splicing and produce an abnormal transcript [SpliceAI: 0.60 (>=0.2, moderate evidence for spliceogenicity)]. Therefore, this variant is classified as VUS according to the recommendation of ACMG/AMP guideline.